The following is an entry in ClinVar:

ClinVar aggregate classification (germline): Uncertain significance. Review status: criteria provided, multiple submitters, no conflicts (2 of 4 stars). 2 submissions from 2 submitters: Uncertain significance (2). Last evaluated 2024-06-14.

Conditions:
Upshaw-Schulman syndrome (TTP). Also called: THROMBOTIC THROMBOCYTOPENIC PURPURA, HEREDITARY; Congenital thrombotic thrombocytopenic purpura. Identifiers: Orphanet 93583, MedGen C1268935, MONDO:0010122, OMIM 274150.

Allele frequency attached by ClinVar (database versions not stated): gnomAD exomes below 0.00001.

Submissions (2):

Fulgent Genetics
Classification: Uncertain significance for Upshaw-Schulman syndrome. Last evaluated: 2024-06-14. Review status: criteria provided, single submitter. Criteria: ACMG Guidelines, 2015. Collection method: clinical testing. Allele origin: germline.

Labcorp Genetics (formerly Invitae), Labcorp
Classification: Uncertain significance. Last evaluated: 2022-04-30. Review status: criteria provided, single submitter. Criteria: Invitae Variant Classification Sherloc (09022015). Collection method: clinical testing. Allele origin: germline.
Comment: In summary, the available evidence is currently insufficient to determine the role of this variant in disease. Therefore, it has been classified as a Variant of Uncertain Significance. Algorithms developed to predict the effect of missense changes on protein structure and function output the following: SIFT: "Deleterious"; PolyPhen-2: "Benign"; Align-GVGD: "Class C0". The arginine amino acid residue is found in multiple mammalian species, which suggests that this missense change does not adversely affect protein function. This variant has not been reported in the literature in individuals affected with ADAMTS13-related conditions. This variant is present in population databases (no rsID available, gnomAD 0.0009%). This sequence change replaces serine, which is neutral and polar, with arginine, which is basic and polar, at codon 526 of the ADAMTS13 protein (p.Ser526Arg).

NM_139027.6(ADAMTS13):c.1578C>G (p.Ser526Arg)

Gene: ADAMTS13 (ADAM metallopeptidase with thrombospondin type 1 motif 13; plus strand). Cytogenetic location: 9q34.2.
Variant type: single nucleotide variant.
Coding change: c.1578C>G on transcript NM_139027.6 (MANE Select); coding-DNA position 1578, C replaced by G.
Protein change: p.Ser526Arg; replaces serine 526 with arginine.
Molecular consequence: missense variant.
Genome position (GRCh38, 1-based): chr9:133,437,891, C>G. VCF-style: chr9-133437891-C-G. GRCh37 (hg19) VCF-style: chr9-136303011-C-G.
Other names: c.1578C>G, p.Ser526Arg (NM_139025.5); c.1485C>G, p.Ser495Arg (NM_139026.6); short protein forms S495R, S526R.
Identifiers: ClinVar variation 1943222 (VCV001943222.5), dbSNP rs1554789605, ClinGen allele CA375392740.